The following is an entry in ClinVar:

NM_000257.4(MYH7):c.2163-10C>T

Gene: MYH7 (myosin heavy chain 7; minus strand). Cytogenetic location: 14q11.2.
Variant type: single nucleotide variant.
Coding change: c.2163-10C>T on transcript NM_000257.4 (MANE Select); 10 bases into the intron before coding-DNA position 2163, C replaced by T.
Molecular consequence: intron variant.
Genome position (GRCh38, 1-based): chr14:23,425,828, G>A on the plus strand (C>T on the coding strand, the complement: MYH7 is on the minus strand). VCF-style: chr14-23425828-G-A. GRCh37 (hg19) VCF-style: chr14-23895037-G-A.
Other names: c.2163-10C>T (NM_001407004.1).
Identifiers: ClinVar variation 2999139 (VCV002999139.4), dbSNP rs1241753517, ClinGen allele CA704294265.

ClinVar aggregate classification (germline): Likely benign. Review status: criteria provided, multiple submitters, no conflicts (2 of 4 stars). 2 submissions from 2 submitters: Likely benign (2). Last evaluated 2024-05-14.

Conditions:
Hypertrophic cardiomyopathy. Also called: HYPERTROPHIC MYOCARDIOPATHY. Identifiers: Orphanet 217569, MedGen C0007194, MeSH D002312, MONDO:0005045, HP:0001639.
Cardiomyopathy (CMYO). Also called: Cardiomyopathies. Identifiers: Orphanet 167848, MedGen C0878544, MONDO:0004994, HP:0001638. Inheritance: Various modes of inheritance.

Allele frequency attached by ClinVar (database versions not stated): TOPMed below 0.00001; gnomAD 0.00001; gnomAD exomes 0.00001.
gnomAD v4.1: 7 of 1,613,760 alleles (0.00043%); highest among the groups gnomAD compares: Non-Finnish European, 0.00059%; no homozygotes.

Submissions (2):

All of Us Research Program, National Institutes of Health
Classification: Likely benign for Cardiomyopathy. Last evaluated: 2024-05-14. Review status: criteria provided, single submitter. Criteria: ACMG Guidelines, 2015. Collection method: clinical testing. Allele origin: germline. Inheritance: Autosomal dominant inheritance. Observed: 1 variant allele, 1 heterozygote.
Comment: This study involves interpretation of variants in research participants for the purpose of population health screening. Participant phenotype was not available at the time of variant classification. Additional details can be found in publication PMID: 35346344, PMCID: PMC8962531

Labcorp Genetics (formerly Invitae), Labcorp
Classification: Likely benign for Hypertrophic cardiomyopathy. Last evaluated: 2023-06-17. Review status: criteria provided, single submitter. Criteria: Invitae Variant Classification Sherloc (09022015). Collection method: clinical testing. Allele origin: germline.